The following is an entry in ClinVar:

NM_001127222.2(CACNA1A):c.6026C>A (p.Thr2009Asn)

Gene: CACNA1A (calcium voltage-gated channel subunit alpha1 A; minus strand). Cytogenetic location: 19p13.13.
Variant type: single nucleotide variant.
Coding change: c.6026C>A on transcript NM_001127222.2 (MANE Select); coding-DNA position 6026, C replaced by A.
Protein change: p.Thr2009Asn; replaces threonine 2009 with asparagine.
Molecular consequence: missense variant.
Genome position (GRCh38, 1-based): chr19:13,212,655, G>T on the plus strand (C>A on the coding strand, the complement: CACNA1A is on the minus strand). VCF-style: chr19-13212655-G-T. GRCh37 (hg19) VCF-style: chr19-13323469-G-T.
Other names: c.6044C>A, p.Thr2015Asn (NM_000068.4, NM_023035.3); c.6029C>A, p.Thr2010Asn (NM_001127221.2); c.6035C>A, p.Thr2012Asn (NM_001174080.2); short protein forms T2009N, T2012N, T2010N, T2015N.
Identifiers: ClinVar variation 957485 (VCV000957485.13), dbSNP rs776574979, ClinGen allele CA9239501.
Genomic context (GRCh38, chr19:13,212,655, plus strand): 5'-CCCACACTCCACCTCCCTGGCAGGGGTGACACTCACAGGGCTCCTCCTGGGTCCAGCTGG[G>T]TGGAGGGGAGGGCGTTCTGGCCAGGTCCCCCTTCCTGCGTTGGGGACGGGGGCTCCATGC-3'
Protein context (NP_001120694.1, residues 1999-2019): GGPGQNALPS[Thr2009Asn]QLDPGGALMA

ClinVar aggregate classification (germline): Uncertain significance. Review status: criteria provided, multiple submitters, no conflicts (2 of 4 stars). 3 submissions from 3 submitters: Uncertain significance (3). Last evaluated 2026-07-29.

Conditions:
Inborn genetic diseases. Identifiers: MedGen C0950123, MeSH D030342.
Episodic ataxia type 2 (EA2). Also called: CEREBELLAR ATAXIA, PAROXYSMAL, ACETAZOLAMIDE-RESPONSIVE; CEREBELLOPATHY, HEREDITARY PAROXYSMAL; EPISODIC ATAXIA, NYSTAGMUS-ASSOCIATED; ATAXIA, EPISODIC, WITH NYSTAGMUS; ATAXIA, FAMILIAL PAROXYSMAL; ACETAZOLAMIDE-RESPONSIVE HEREDITARY PAROXYSMAL CEREBELLAR ATAXIA. Identifiers: Orphanet 97, MedGen C1720416, MONDO:0007163, OMIM 108500.
Developmental and epileptic encephalopathy, 42 (DEE42A). Also called: Epileptic encephalopathy, early infantile, 42; DEVELOPMENTAL AND EPILEPTIC ENCEPHALOPATHY 42A; EPILEPTIC ENCEPHALOPATHY, EARLY INFANTILE, 42A. Identifiers: MedGen C4310716, MONDO:0014917, OMIM 617106.

Allele frequency attached by ClinVar (database versions not stated): gnomAD exomes below 0.00001; ExAC 0.00003; TOPMed below 0.00001.
gnomAD v4.1: 5 of 1,516,036 alleles (0.00033%); highest among the groups gnomAD compares: Non-Finnish European, 0.00044%; no homozygotes.

Submissions (3):

Ambry Genetics
Classification: Uncertain significance for Inborn genetic diseases. Last evaluated: 2026-07-29. Review status: criteria provided, single submitter. Criteria: Ambry Variant Classification Scheme 2023. Collection method: clinical testing. Allele origin: germline.
Comment: The c.6029C>A (p.T2010N) alteration is located in exon 41 (coding exon 41) of the CACNA1A gene. This alteration results from a C to A substitution at nucleotide position 6029, causing the threonine (T) at amino acid position 2010 to be replaced by an asparagine (N). Based on data from gnomAD, the A allele has an overall frequency of 0.001% (1/157574) total alleles studied. The highest observed frequency was 0.001% (1/74776) of European (non-Finnish) alleles. Based on insufficient or conflicting evidence, the clinical significance of this alteration remains unclear.

Labcorp Genetics (formerly Invitae), Labcorp
Classification: Uncertain significance for Developmental and epileptic encephalopathy, 42; Episodic ataxia type 2. Last evaluated: 2025-08-18. Review status: criteria provided, single submitter. Criteria: Invitae Variant Classification Sherloc (09022015). Collection method: clinical testing. Allele origin: germline.
Comment: This sequence change replaces threonine, which is neutral and polar, with asparagine, which is neutral and polar, at codon 2010 of the CACNA1A protein (p.Thr2010Asn). The frequency data for this variant in the population databases is considered unreliable, as metrics indicate poor data quality at this position in the gnomAD database. This variant has not been reported in the literature in individuals affected with CACNA1A-related conditions. ClinVar contains an entry for this variant (Variation ID: 957485). Invitae Evidence Modeling of protein sequence and biophysical properties (such as structural, functional, and spatial information, amino acid conservation, physicochemical variation, residue mobility, and thermodynamic stability) indicates that this missense variant is not expected to disrupt CACNA1A protein function with a negative predictive value of 95%. In summary, the available evidence is currently insufficient to determine the role of this variant in disease. Therefore, it has been classified as a Variant of Uncertain Significance.

GeneDx
Classification: Uncertain significance. Last evaluated: 2025-05-01. Review status: criteria provided, single submitter. Criteria: GeneDx Variant Classification Process June 2021. Collection method: clinical testing. Allele origin: germline. Affected: yes.
Comment: Has not been previously published as pathogenic or benign to our knowledge; Not observed at significant frequency in large population cohorts (gnomAD); In silico analysis supports that this missense variant has a deleterious effect on protein structure/function